The following is an entry in ClinVar:

ClinVar aggregate classification (germline): Uncertain significance (1 of 4 stars; one submission).

Submission:

Labcorp Genetics (formerly Invitae), Labcorp
Classification: Uncertain significance. Last evaluated: 2025-04-23. Review status: criteria provided, single submitter. Criteria: Invitae Variant Classification Sherloc (09022015). Collection method: clinical testing. Allele origin: germline.
Comment: This sequence change replaces glycine, which is neutral and non-polar, with glutamic acid, which is acidic and polar, at codon 787 of the COL11A1 protein (p.Gly787Glu). This variant is not present in population databases (gnomAD no frequency). This variant has not been reported in the literature in individuals affected with COL11A1-related conditions. Invitae Evidence Modeling of protein sequence and biophysical properties (such as structural, functional, and spatial information, amino acid conservation, physicochemical variation, residue mobility, and thermodynamic stability) indicates that this missense variant is expected to disrupt COL11A1 protein function with a positive predictive value of 80%. In summary, the available evidence is currently insufficient to determine the role of this variant in disease. Therefore, it has been classified as a Variant of Uncertain Significance.

NM_001854.4(COL11A1):c.2360G>A (p.Gly787Glu)

Gene: COL11A1 (collagen type XI alpha 1 chain; minus strand). Cytogenetic location: 1p21.1.
Variant type: single nucleotide variant.
Coding change: c.2360G>A on transcript NM_001854.4 (MANE Select); coding-DNA position 2360, G replaced by A.
Protein change: p.Gly787Glu; replaces glycine 787 with glutamic acid.
Molecular consequence: missense variant. On other transcripts: non-coding transcript variant (1).
Genome position (GRCh38, 1-based): chr1:102,989,552, C>T on the plus strand (G>A on the coding strand, the complement: COL11A1 is on the minus strand). VCF-style: chr1-102989552-C-T. GRCh37 (hg19) VCF-style: chr1-103455108-C-T.
Other names: c.2243G>A, p.Gly748Glu (NM_001190709.2); c.2396G>A, p.Gly799Glu (NM_080629.3); c.2012G>A, p.Gly671Glu (NM_080630.4); short protein forms G671E, G748E, G787E, G799E.
Identifiers: ClinVar variation 4743406 (VCV004743406.1).